The following is an entry in ClinVar:

ClinVar aggregate classification (germline): Uncertain significance (1 of 4 stars; one submission).

Conditions:
Cardiomyopathy (CMYO). Also called: Cardiomyopathies. Identifiers: Orphanet 167848, MedGen C0878544, MONDO:0004994, HP:0001638. Inheritance: Various modes of inheritance.

Submission:

Color Diagnostics, LLC DBA Color Health
Classification: Uncertain significance for Cardiomyopathy. Last evaluated: 2025-09-14. Review status: criteria provided, single submitter. Criteria: ACMG Guidelines, 2015. Collection method: clinical testing. Allele origin: germline.
Comment: This missense variant replaces threonine with asparagine at codon 114 of the MYBPC3 protein. Computational prediction suggests that this variant may not impact protein structure and function. To our knowledge, functional studies have not been reported for this variant. This variant has not been reported in individuals affected with MYBPC3-related disorders in the literature. This variant has not been identified in the general population by the Genome Aggregation Database (gnomAD). The available evidence is insufficient to determine the role of this variant in disease conclusively. Therefore, this variant is classified as a Variant of Uncertain Significance.

NM_000256.3(MYBPC3):c.341C>A (p.Thr114Asn)

Gene: MYBPC3 (myosin binding protein C3; minus strand). Cytogenetic location: 11p11.2.
Variant type: single nucleotide variant.
Coding change: c.341C>A on transcript NM_000256.3 (MANE Select); coding-DNA position 341, C replaced by A.
Protein change: p.Thr114Asn; replaces threonine 114 with asparagine.
Molecular consequence: missense variant.
Genome position (GRCh38, 1-based): chr11:47,350,567, G>T on the plus strand (C>A on the coding strand, the complement: MYBPC3 is on the minus strand). VCF-style: chr11-47350567-G-T. GRCh37 (hg19) VCF-style: chr11-47372118-G-T.
Other names: short protein forms T114N.
Identifiers: ClinVar variation 4756374 (VCV004756374.1).